The following is an entry in ClinVar:

NM_020774.4(MIB1):c.752T>C (p.Leu251Pro)

Gene: MIB1 (MIB E3 ubiquitin protein ligase 1; plus strand). Cytogenetic location: 18q11.2.
Variant type: single nucleotide variant.
Coding change: c.752T>C on transcript NM_020774.4 (MANE Select); coding-DNA position 752, T replaced by C.
Protein change: p.Leu251Pro; replaces leucine 251 with proline.
Molecular consequence: missense variant.
Genome position (GRCh38, 1-based): chr18:21,779,529, T>C. VCF-style: chr18-21779529-T-C. GRCh37 (hg19) VCF-style: chr18-19359490-T-C.
Other names: short protein forms L251P.
Identifiers: ClinVar variation 1759381 (VCV001759381.2), dbSNP rs2510720258, ClinGen allele CA401743730.

ClinVar aggregate classification (germline): Uncertain significance (1 of 4 stars; one submission).

Conditions:
Inborn genetic diseases. Identifiers: MedGen C0950123, MeSH D030342.

Submission:

Ambry Genetics
Classification: Uncertain significance for Inborn genetic diseases. Last evaluated: 2021-12-07. Review status: criteria provided, single submitter. Criteria: Ambry Variant Classification Scheme 2023. Collection method: clinical testing. Allele origin: germline.
Comment: The p.L251P variant (also known as c.752T>C), located in coding exon 6 of the MIB1 gene, results from a T to C substitution at nucleotide position 752. The leucine at codon 251 is replaced by proline, an amino acid with similar properties. This amino acid position is conserved. In addition, the in silico prediction for this alteration is inconclusive. Since supporting evidence is limited at this time, the clinical significance of this alteration remains unclear.